The following is an entry in ClinVar:

ClinVar aggregate classification (germline): Benign. Review status: criteria provided, multiple submitters, no conflicts (2 of 4 stars). 2 submissions from 2 submitters: Benign (2). Last evaluated 2018-06-14.

Allele frequency attached by ClinVar (database versions not stated): 1000 Genomes Project 0.09145; TOPMed 0.09898; gnomAD 0.10907.
gnomAD v4.1: 103,856 of 1,037,128 alleles (10%); highest among the groups gnomAD compares: South Asian, 14%; 8,919 homozygotes.

Submissions (2):

GeneDx
Classification: Benign. Last evaluated: 2018-06-14. Review status: criteria provided, single submitter. Criteria: GeneDx Variant Classification (06012015). Collection method: clinical testing. Allele origin: germline. Affected: yes.
Comment: This variant is considered likely benign or benign based on one or more of the following criteria: it is a conservative change, it occurs at a poorly conserved position in the protein, it is predicted to be benign by multiple in silico algorithms, and/or has population frequency not consistent with disease.

Breakthrough Genomics
Classification: Benign. Review status: criteria provided, single submitter. Criteria: ACMG Guidelines, 2015. Collection method: not provided. Allele origin: germline. Inheritance: Autosomal dominant inheritance. Affected: yes.

NM_001025295.3(IFITM5):c.186+86G>T

Gene: IFITM5 (interferon induced transmembrane protein 5; minus strand). Cytogenetic location: 11p15.5.
Variant type: single nucleotide variant.
Coding change: c.186+86G>T on transcript NM_001025295.3 (MANE Select); 86 bases into the intron after coding-DNA position 186, G replaced by T.
Molecular consequence: intron variant.
Genome position (GRCh38, 1-based): chr11:299,219, C>A on the plus strand (G>T on the coding strand, the complement: IFITM5 is on the minus strand). VCF-style: chr11-299219-C-A. GRCh37 (hg19) VCF-style: chr11-299219-C-A.
Identifiers: ClinVar variation 674990 (VCV000674990.2), dbSNP rs11246058, ClinGen allele CA13405115.